The following is an entry in ClinVar:

NM_017654.4(SAMD9):c.2801C>T (p.Ser934Leu)

Gene: SAMD9 (sterile alpha motif domain containing 9; minus strand). Cytogenetic location: 7q21.2.
Variant type: single nucleotide variant.
Coding change: c.2801C>T on transcript NM_017654.4 (MANE Select); coding-DNA position 2801, C replaced by T.
Protein change: p.Ser934Leu; replaces serine 934 with leucine.
Molecular consequence: missense variant.
Genome position (GRCh38, 1-based): chr7:93,103,297, G>A on the plus strand (C>T on the coding strand, the complement: SAMD9 is on the minus strand). VCF-style: chr7-93103297-G-A. GRCh37 (hg19) VCF-style: chr7-92732610-G-A.
Other names: c.2801C>T, p.Ser934Leu (NM_001193307.2); short protein forms S934L.
Identifiers: ClinVar variation 2662430 (VCV002662430.1), dbSNP rs2535357241, ClinGen allele CA368189516.
Genomic context (GRCh38, chr7:93,103,297, plus strand): 5'-TCTGTCCCCCAGAAAGCCTTCTTGTTTCCAATTCCTAAGAATTTTTCACACTGTGATAGT[G>A]AAATGGTGGTATCAGGCACATATGAATTAAGAAGAGCCAGAAAAGAAAAGAGCTTTGCTT-3'
Protein context (NP_060124.2, residues 924-944): LNSYVPDTTI[Ser934Leu]LSQCEKFLGI

ClinVar aggregate classification (germline): Uncertain significance (1 of 4 stars; one submission).

gnomAD v4.1: 2 of 1,613,680 alleles (0.00012%); highest among the groups gnomAD compares: Non-Finnish European, 0.00017%; no homozygotes.

Submission:

GeneDx
Classification: Uncertain significance. Last evaluated: 2023-04-03. Review status: criteria provided, single submitter. Criteria: GeneDx Variant Classification Process June 2021. Collection method: clinical testing. Allele origin: germline. Affected: yes.
Comment: Not observed at significant frequency in large population cohorts (gnomAD); In silico analysis supports that this missense variant has a deleterious effect on protein structure/function; Has not been previously published as pathogenic or benign to our knowledge; This variant is associated with the following publications: (PMID: 28545555)